The following is an entry in ClinVar:

NM_022072.5(NSUN3):c.653G>T (p.Arg218Leu)

Gene: NSUN3 (NOP2/Sun RNA methyltransferase 3; plus strand). Cytogenetic location: 3q11.2.
Variant type: single nucleotide variant.
Coding change: c.653G>T on transcript NM_022072.5 (MANE Select); coding-DNA position 653, G replaced by T.
Protein change: p.Arg218Leu; replaces arginine 218 with leucine.
Molecular consequence: missense variant.
Genome position (GRCh38, 1-based): chr3:94,095,064, G>T. VCF-style: chr3-94095064-G-T. GRCh37 (hg19) VCF-style: chr3-93813908-G-T.
Other names: short protein forms R218L.
Identifiers: ClinVar variation 3618766 (VCV003618766.2).

ClinVar aggregate classification (germline): Uncertain significance (1 of 4 stars; one submission).

gnomAD v4.1: 2 of 1,613,704 alleles (0.00012%); highest among the groups gnomAD compares: Non-Finnish European, 0.000085%; no homozygotes.

Submission:

Labcorp Genetics (formerly Invitae), Labcorp
Classification: Uncertain significance. Last evaluated: 2024-05-09. Review status: criteria provided, single submitter. Criteria: Invitae Variant Classification Sherloc (09022015). Collection method: clinical testing. Allele origin: germline.
Comment: This sequence change replaces arginine, which is basic and polar, with leucine, which is neutral and non-polar, at codon 218 of the NSUN3 protein (p.Arg218Leu). This variant is present in population databases (no rsID available, gnomAD 0.0009%). This variant has not been reported in the literature in individuals affected with NSUN3-related conditions. An algorithm developed to predict the effect of missense changes on protein structure and function (PolyPhen-2) suggests that this variant is likely to be disruptive. In summary, the available evidence is currently insufficient to determine the role of this variant in disease. Therefore, it has been classified as a Variant of Uncertain Significance.